The following is an entry in ClinVar:

ClinVar aggregate classification (germline): Uncertain significance (1 of 4 stars; one submission).

Conditions:
Epithelial recurrent erosion dystrophy (ERED). Also called: CORNEAL EROSIONS, RECURRING HEREDITARY. Identifiers: Orphanet 293381, MedGen C1852551, MONDO:0007381, OMIM 122400.

Submission:

Centre for Mendelian Genomics, University Medical Centre Ljubljana
Classification: Uncertain significance for Epithelial recurrent erosion dystrophy. Last evaluated: 2019-04-03. Review status: criteria provided, single submitter. Criteria: ACMG Guidelines, 2015. Collection method: clinical testing. Allele origin: unknown. Affected: yes.
Comment: This variant was classified as: Uncertain significance. The available evidence favors the pathogenic nature of this variant, however the currently available data is insufficient to conclusively support its pathogenic nature. Thus this variant is classified as Uncertain significance - favor pathogenic. The following ACMG criteria were applied in classifying this variant: PM2,PP3,PP4.

NM_000494.4(COL17A1):c.4142C>T (p.Ser1381Leu)

Gene: COL17A1 (collagen type XVII alpha 1 chain; minus strand). Cytogenetic location: 10q25.1.
Variant type: single nucleotide variant.
Coding change: c.4142C>T on transcript NM_000494.4 (MANE Select); coding-DNA position 4142, C replaced by T.
Protein change: p.Ser1381Leu; replaces serine 1381 with leucine.
Molecular consequence: missense variant.
Genome position (GRCh38, 1-based): chr10:104,033,959, G>A on the plus strand (C>T on the coding strand, the complement: COL17A1 is on the minus strand). VCF-style: chr10-104033959-G-A. GRCh37 (hg19) VCF-style: chr10-105793717-G-A.
Other names: short protein forms S1381L.
Identifiers: ClinVar variation 931121 (VCV000931121.3), dbSNP rs2086242885, ClinGen allele CA378064888.